The following is an entry in ClinVar:

ClinVar aggregate classification (germline): Likely benign. Review status: criteria provided, multiple submitters, no conflicts (2 of 4 stars). 3 submissions from 3 submitters: Likely benign (3). Last evaluated 2025-10-21.

Conditions:
MFN2-related disorder. Also called: MFN2-related disorders; MFN2-related condition.
Charcot-Marie-Tooth disease type 2. Also called: Charcot-Marie-Tooth type 2. Identifiers: Orphanet 64746, MedGen C0270914, MONDO:0018993.

Allele frequency attached by ClinVar (database versions not stated): gnomAD 0.00001; TOPMed 0.00004; ExAC 0.00005; gnomAD exomes 0.00006.
gnomAD v4.1: 32 of 1,614,034 alleles (0.002%); highest among the groups gnomAD compares: Admixed American, 0.033%; no homozygotes.

Submissions (3):

PreventionGenetics, part of Exact Sciences
Classification: Likely benign for MFN2-related condition. Last evaluated: 2025-10-21. Review status: criteria provided, single submitter. Criteria: ACMG Guidelines, 2015. Collection method: clinical testing. Allele origin: germline.
Comment: This variant is classified as likely benign based on ACMG/AMP sequence variant interpretation guidelines (Richards et al. 2015 PMID: 25741868, with internal and published modifications).

Labcorp Genetics (formerly Invitae), Labcorp
Classification: Likely benign for Charcot-Marie-Tooth disease type 2. Last evaluated: 2025-09-02. Review status: criteria provided, single submitter. Criteria: Invitae Variant Classification Sherloc (09022015). Collection method: clinical testing. Allele origin: germline.

Blueprint Genetics
Classification: Likely benign. Last evaluated: 2022-07-29. Review status: criteria provided, single submitter. Criteria: ACMG Guidelines, 2015. Collection method: clinical testing. Allele origin: germline.

NM_014874.4(MFN2):c.582C>T (p.Asp194=)

Gene: MFN2 (mitofusin 2; plus strand). Cytogenetic location: 1p36.22.
Variant type: single nucleotide variant.
Coding change: c.582C>T on transcript NM_014874.4 (MANE Select); coding-DNA position 582, C replaced by T.
Protein change: p.Asp194=; no amino-acid change (aspartic acid 194 retained).
Molecular consequence: synonymous variant.
Genome position (GRCh38, 1-based): chr1:11,997,404, C>T. VCF-style: chr1-11997404-C-T. GRCh37 (hg19) VCF-style: chr1-12057461-C-T.
Other names: c.582C>T, p.Asp194= (NM_001127660.2).
Identifiers: ClinVar variation 697313 (VCV000697313.11), dbSNP rs772441576, ClinGen allele CA598856.